The following is an entry in ClinVar:

NR_164128.1(CCDC144NL):n.218G>A

Genes: CCDC144NL-AS1 (CCDC144NL antisense RNA 1; plus strand), CCDC144NL-AS1-LOC339260 (CCDC144NL-AS1-LOC339260 readthrough; plus strand). Cytogenetic location: 17p11.2.
Variant type: single nucleotide variant.
Molecular consequence: non-coding transcript variant (on NR_164128.1).
Genome position: GRCh38 VCF-style: chr17-20895946-C-T. GRCh37 (hg19) VCF-style: chr17-20799259-C-T.
Identifiers: ClinVar variation 4083820 (VCV004083820.8).
Genomic context (GRCh38, chr17:20,895,946, plus strand): 5'-CCACTGGTCCCCCGGGTAGTCCAAGTACCACTGGTCCTCCTGGCTCCCAACACTAGGGGT[C>T]TTCCTCGTGGCGTAGACTGCCGGCTTCGGAGACCCCCCAGCCCCTCCCCGCTTTTCTCCA-3'

ClinVar aggregate classification (germline): Likely benign (1 of 4 stars; one submission).

Submission:

CeGaT Center for Human Genetics Tuebingen
Classification: Likely benign. Last evaluated: 2025-06-01. Review status: criteria provided, single submitter. Criteria: CeGaT Center For Human Genetics Tuebingen Variant Classification Criteria Version 2. Collection method: clinical testing. Allele origin: germline. Affected: yes. Observed: 1 variant allele.
Comment: CCDC144NL: BP4, BP7